The following is an entry in ClinVar:

ClinVar aggregate classification (germline): Conflicting classifications of pathogenicity. Review status: criteria provided, conflicting classifications (1 of 4 stars). 6 submissions from 6 submitters: Uncertain significance (5); Likely benign (1). Last evaluated 2026-04-01.

Conditions:
Patterned macular dystrophy 2. Identifiers: Orphanet 99001, MedGen C1837029, MONDO:0012162, OMIM 608970.
Hereditary cancer-predisposing syndrome. Also called: Neoplastic Syndromes, Hereditary; Tumor predisposition; Hereditary neoplastic syndrome; Hereditary Cancer Syndrome. Identifiers: Orphanet 140162, MedGen C0027672, MeSH D009386, MONDO:0015356.
CTNNA1-related disorder. Also called: CTNNA1-related condition.

Allele frequency attached by ClinVar (database versions not stated): gnomAD exomes 0.00002 and 0.00003; gnomAD 0.00003; TOPMed 0.00003; ESP Exome Variant Server 0.00008; ExAC 0.00009.
gnomAD v4.1: 36 of 1,568,712 alleles (0.0023%); highest among the groups gnomAD compares: African/African-American, 0.0068%; no homozygotes.

Submissions (6):

PreventionGenetics, part of Exact Sciences
Classification: Uncertain significance for CTNNA1-related condition. Last evaluated: 2026-04-01. Review status: criteria provided, single submitter. Criteria: ACMG Guidelines, 2015. Collection method: clinical testing. Allele origin: germline.
Comment: The CTNNA1 c.1742A>G variant is predicted to result in the amino acid substitution p.Asn581Ser. To our knowledge, this variant has not been reported in individuals affected with CTNNA1-related disease. This variant is reported in 0.019% of alleles in individuals of African descent in gnomAD and has conflicting interpretations in ClinVar ranging from likely benign to uncertain (Variation ID: 649902). Although we suspect that this variant may be benign, at this time, the clinical significance of this variant is uncertain due to the absence of conclusive functional and genetic evidence.

Labcorp Genetics (formerly Invitae), Labcorp
Classification: Uncertain significance. Last evaluated: 2025-12-20. Review status: criteria provided, single submitter. Criteria: Invitae Variant Classification Sherloc (09022015). Collection method: clinical testing. Allele origin: germline.
Comment: This sequence change replaces asparagine, which is neutral and polar, with serine, which is neutral and polar, at codon 581 of the CTNNA1 protein (p.Asn581Ser). This variant is present in population databases (rs139134468, gnomAD 0.01%). This variant has not been reported in the literature in individuals affected with CTNNA1-related conditions. ClinVar contains an entry for this variant (Variation ID: 649902). Invitae Evidence Modeling of protein sequence and biophysical properties (such as structural, functional, and spatial information, amino acid conservation, physicochemical variation, residue mobility, and thermodynamic stability) indicates that this missense variant is not expected to disrupt CTNNA1 protein function with a negative predictive value of 80%. In summary, the available evidence is currently insufficient to determine the role of this variant in disease. Therefore, it has been classified as a Variant of Uncertain Significance.

Ambry Genetics
Classification: Likely benign for Hereditary cancer-predisposing syndrome. Last evaluated: 2025-05-06. Review status: criteria provided, single submitter. Criteria: Ambry Variant Classification Scheme 2023. Collection method: clinical testing. Allele origin: germline.

GeneDx
Classification: Uncertain significance. Last evaluated: 2024-12-04. Review status: criteria provided, single submitter. Criteria: GeneDx Variant Classification Process June 2021. Collection method: clinical testing. Allele origin: germline. Affected: yes.
Comment: In silico analysis indicates that this missense variant does not alter protein structure/function; Observed in individuals referred for hereditary cancer multi-gene panel testing (PMID: 32051609); This variant is associated with the following publications: (PMID: 32051609)

Baylor Genetics
Classification: Uncertain significance for Patterned macular dystrophy 2. Last evaluated: 2023-05-11. Review status: criteria provided, single submitter. Criteria: ACMG Guidelines, 2015. Collection method: clinical testing. Allele origin: unknown.

Blueprint Genetics
Classification: Uncertain significance. Last evaluated: 2021-01-08. Review status: criteria provided, single submitter. Criteria: ACMG Guidelines, 2015. Collection method: clinical testing. Allele origin: germline.

Literature cited by the submitters: PubMed 32051609 (cited by Ambry Genetics).

NM_001903.5(CTNNA1):c.1742A>G (p.Asn581Ser)

Gene: CTNNA1 (catenin alpha 1; plus strand). Cytogenetic location: 5q31.2.
Variant type: single nucleotide variant.
Coding change: c.1742A>G on transcript NM_001903.5 (MANE Select); coding-DNA position 1742, A replaced by G.
Protein change: p.Asn581Ser; replaces asparagine 581 with serine.
Molecular consequence: missense variant.
Genome position (GRCh38, 1-based): chr5:138,924,705, A>G. VCF-style: chr5-138924705-A-G. GRCh37 (hg19) VCF-style: chr5-138260394-A-G.
Other names: c.1742A>G, p.Asn581Ser (NM_001290307.3, NM_001323982.2, NM_001323983.1 and 2 more transcripts); c.1433A>G, p.Asn478Ser (NM_001290309.3); c.1373A>G, p.Asn458Ser (NM_001290310.3); c.632A>G, p.Asn211Ser (NM_001290312.1, NM_001323987.1, NM_001323988.1 and 17 more transcripts); c.1649A>G, p.Asn550Ser (NM_001323986.2); c.293A>G, p.Asn98Ser (NM_001324008.1, NM_001324009.1, NM_001324010.1 and 2 more transcripts); c.539A>G, p.Asn180Ser (NM_001324011.1); c.389A>G, p.Asn130Ser (NM_001324012.1, NM_001324013.1); and 1 more; short protein forms N130S, N180S, N211S, N478S, N581S, N458S, N550S, N98S.
Identifiers: ClinVar variation 649902 (VCV000649902.17), dbSNP rs139134468, ClinGen allele CA3432012.